The following is an entry in ClinVar:

NM_004727.3(SLC24A1):c.-164C>T

Gene: SLC24A1 (solute carrier family 24 member 1; plus strand). Cytogenetic location: 15q22.31.
Variant type: single nucleotide variant.
Coding change: c.-164C>T on transcript NM_004727.3 (MANE Select); 164 bases upstream of the start codon, C replaced by T.
Molecular consequence: 5 prime UTR variant. On other transcripts: intron variant (1).
Genome position (GRCh38, 1-based): chr15:65,622,055, C>T. VCF-style: chr15-65622055-C-T. GRCh37 (hg19) VCF-style: chr15-65914393-C-T.
Other names: c.-126-1900C>T (NM_001301033.2).
Identifiers: ClinVar variation 316781 (VCV000316781.5), dbSNP rs79327611, ClinGen allele CA10646468.

ClinVar aggregate classification (germline): Likely benign (1 of 4 stars; one submission).

Conditions:
Congenital stationary night blindness 1D. Also called: Night blindness, congenital stationary (complete), 1D, autosomal recessive. Identifiers: Orphanet 215, MedGen C3151193, MONDO:0013450, OMIM 613830.

Allele frequency attached by ClinVar (database versions not stated): 1000 Genomes Project 0.00459; 1000 Genomes Project 30x 0.00515; gnomAD 0.00697 and 0.00743; TOPMed 0.00736.

Submission:

Illumina Laboratory Services, Illumina
Classification: Likely benign for Congenital stationary night blindness 1D. Last evaluated: 2018-01-12. Review status: criteria provided, single submitter. Criteria: ICSL Variant Classification Criteria 13 December 2019. Collection method: clinical testing. Allele origin: germline.
Comment: This variant was observed in the ICSL laboratory as part of a predisposition screen in an ostensibly healthy population. It had not been previously curated by ICSL or reported in the Human Gene Mutation Database (HGMD: prior to June 1st, 2018), and was therefore a candidate for classification through an automated scoring system. Utilizing variant allele frequency, disease prevalence and penetrance estimates, and inheritance mode, an automated score was calculated to assess if this variant is too frequent to cause the disease. Based on the score and internal cut-off values, a variant classified as likely benign is not then subjected to further curation. The score for this variant resulted in a classification of likely benign for this disease.